The following is an entry in ClinVar:

NM_016169.4(SUFU):c.831C>A (p.Asp277Glu)

Gene: SUFU (SUFU negative regulator of hedgehog signaling; plus strand). Cytogenetic location: 10q24.32.
Variant type: single nucleotide variant.
Coding change: c.831C>A on transcript NM_016169.4 (MANE Select); coding-DNA position 831, C replaced by A.
Protein change: p.Asp277Glu; replaces aspartic acid 277 with glutamic acid.
Molecular consequence: missense variant.
Genome position (GRCh38, 1-based): chr10:102,597,214, C>A. VCF-style: chr10-102597214-C-A. GRCh37 (hg19) VCF-style: chr10-104356971-C-A.
Other names: c.831C>A, p.Asp277Glu (NM_001178133.2); short protein forms D277E.
Identifiers: ClinVar variation 2164389 (VCV002164389.6), dbSNP rs1340330498, ClinGen allele CA377910530.

ClinVar aggregate classification (germline): Uncertain significance. Review status: criteria provided, multiple submitters, no conflicts (2 of 4 stars). 2 submissions from 2 submitters: Uncertain significance (2). Last evaluated 2023-03-05.

Conditions:
Gorlin syndrome. Also called: Basal cell nevus syndrome; Nevoid Basal Cell Carcinoma Syndrome. Identifiers: Orphanet 377, MedGen C0004779, MONDO:0007187.
Medulloblastoma (MDB). Also called: Medulloblastoma, somatic; MEDULLOBLASTOMA PREDISPOSITION SYNDROME. Identifiers: Orphanet 616, MedGen C0025149, MeSH D008527, MONDO:0007959, OMIM 155255, HP:0002885.
Hereditary cancer-predisposing syndrome. Also called: Neoplastic Syndromes, Hereditary; Hereditary neoplastic syndrome; Hereditary Cancer Syndrome; Tumor predisposition. Identifiers: Orphanet 140162, MedGen C0027672, MeSH D009386, MONDO:0015356.

gnomAD v4.1: 2 of 1,613,956 alleles (0.00012%); highest among the groups gnomAD compares: Non-Finnish European, 0.00017%; no homozygotes.

Submissions (2):

Ambry Genetics
Classification: Uncertain significance for Hereditary cancer-predisposing syndrome. Last evaluated: 2023-03-05. Review status: criteria provided, single submitter. Criteria: Ambry Variant Classification Scheme 2023. Collection method: clinical testing. Allele origin: germline.
Comment: The p.D277E variant (also known as c.831C>A), located in coding exon 7 of the SUFU gene, results from a C to A substitution at nucleotide position 831. The aspartic acid at codon 277 is replaced by glutamic acid, an amino acid with highly similar properties. This amino acid position is conserved. In addition, this alteration is predicted to be tolerated by in silico analysis. Since supporting evidence is limited at this time, the clinical significance of this alteration remains unclear.

Labcorp Genetics (formerly Invitae), Labcorp
Classification: Uncertain significance for Gorlin syndrome; Medulloblastoma. Last evaluated: 2022-02-17. Review status: criteria provided, single submitter. Criteria: Invitae Variant Classification Sherloc (09022015). Collection method: clinical testing. Allele origin: germline.
Comment: In summary, the available evidence is currently insufficient to determine the role of this variant in disease. Therefore, it has been classified as a Variant of Uncertain Significance. Algorithms developed to predict the effect of missense changes on protein structure and function (SIFT, PolyPhen-2, Align-GVGD) all suggest that this variant is likely to be tolerated. This variant has not been reported in the literature in individuals affected with SUFU-related conditions. This variant is not present in population databases (gnomAD no frequency). This sequence change replaces aspartic acid, which is acidic and polar, with glutamic acid, which is acidic and polar, at codon 277 of the SUFU protein (p.Asp277Glu).